The following is an entry in ClinVar:

NM_032888.4(COL27A1):c.1061A>G (p.Gln354Arg)

Gene: COL27A1 (collagen type XXVII alpha 1 chain; plus strand). Cytogenetic location: 9q32.
Variant type: single nucleotide variant.
Coding change: c.1061A>G on transcript NM_032888.4 (MANE Select); coding-DNA position 1061, A replaced by G.
Protein change: p.Gln354Arg; replaces glutamine 354 with arginine.
Molecular consequence: missense variant.
Genome position (GRCh38, 1-based): chr9:114,168,616, A>G. VCF-style: chr9-114168616-A-G. GRCh37 (hg19) VCF-style: chr9-116930896-A-G.
Other names: short protein forms Q354R.
Identifiers: ClinVar variation 1964456 (VCV001964456.5), dbSNP rs763296128, ClinGen allele CA5201299.

ClinVar aggregate classification (germline): Uncertain significance (1 of 4 stars; one submission).

Allele frequency attached by ClinVar (database versions not stated): ExAC 0.00001; gnomAD 0.00001.
gnomAD v4.1: 1 of 1,614,026 alleles (0.000062%); highest among the groups gnomAD compares: Non-Finnish European, 0.000085%; no homozygotes.

Submission:

Labcorp Genetics (formerly Invitae), Labcorp
Classification: Uncertain significance. Last evaluated: 2023-08-04. Review status: criteria provided, single submitter. Criteria: Invitae Variant Classification Sherloc (09022015). Collection method: clinical testing. Allele origin: germline.
Comment: Advanced modeling of protein sequence and biophysical properties (such as structural, functional, and spatial information, amino acid conservation, physicochemical variation, residue mobility, and thermodynamic stability) performed at Invitae indicates that this missense variant is not expected to disrupt COL27A1 protein function. In summary, the available evidence is currently insufficient to determine the role of this variant in disease. Therefore, it has been classified as a Variant of Uncertain Significance. ClinVar contains an entry for this variant (Variation ID: 1964456). This variant has not been reported in the literature in individuals affected with COL27A1-related conditions. This variant is present in population databases (rs763296128, gnomAD 0.006%). This sequence change replaces glutamine, which is neutral and polar, with arginine, which is basic and polar, at codon 354 of the COL27A1 protein (p.Gln354Arg).